The following is an entry in ClinVar:

NM_002335.4(LRP5):c.3236+3A>G

Gene: LRP5 (LDL receptor related protein 5; plus strand). Cytogenetic location: 11q13.2.
Variant type: single nucleotide variant.
Coding change: c.3236+3A>G on transcript NM_002335.4 (MANE Select); 3 bases into the intron after coding-DNA position 3236, A replaced by G.
Molecular consequence: intron variant.
Genome position (GRCh38, 1-based): chr11:68,423,700, A>G. VCF-style: chr11-68423700-A-G. GRCh37 (hg19) VCF-style: chr11-68191168-A-G.
Other names: c.1493+3A>G (NM_001291902.2).
Identifiers: ClinVar variation 3667791 (VCV003667791.2).
Genomic context (GRCh38, chr11:68,423,700, plus strand): 5'-TGGTGCTGCGTGGGGACCGCGACAAGCCCAGGGCCATCGTCGTCAACGCGGAGCGAGGGT[A>G]GGAGGCCAACGGGTGGGTGGGGGTGCTGCCCGTCCAGGCGTGCCCGCCGTGTCTTCTGCC-3'

ClinVar aggregate classification (germline): Uncertain significance (1 of 4 stars; one submission).

Submission:

Labcorp Genetics (formerly Invitae), Labcorp
Classification: Uncertain significance. Last evaluated: 2024-04-06. Review status: criteria provided, single submitter. Criteria: Invitae Variant Classification Sherloc (09022015). Collection method: clinical testing. Allele origin: germline.
Comment: This sequence change falls in intron 14 of the LRP5 gene. It does not directly change the encoded amino acid sequence of the LRP5 protein. It affects a nucleotide within the consensus splice site. This variant is not present in population databases (gnomAD no frequency). This variant has not been reported in the literature in individuals affected with LRP5-related conditions. Variants that disrupt the consensus splice site are a relatively common cause of aberrant splicing (PMID: 17576681, 9536098). Algorithms developed to predict the effect of sequence changes on RNA splicing suggest that this variant may disrupt the consensus splice site. In summary, the available evidence is currently insufficient to determine the role of this variant in disease. Therefore, it has been classified as a Variant of Uncertain Significance.

Literature cited by the submitters: PubMed 17576681; PubMed 9536098.